The following is an entry in ClinVar:

ClinVar aggregate classification (germline): Pathogenic (1 of 4 stars; one submission).

gnomAD v4.1: 9 of 1,614,034 alleles (0.00056%); highest among the groups gnomAD compares: African/African-American, 0.0013%; no homozygotes.

Submission:

Labcorp Genetics (formerly Invitae), Labcorp
Classification: Pathogenic. Last evaluated: 2023-07-30. Review status: criteria provided, single submitter. Criteria: Invitae Variant Classification Sherloc (09022015). Collection method: clinical testing. Allele origin: germline.
Comment: This sequence change creates a premature translational stop signal (p.Gln1030*) in the TET2 gene. It is expected to result in an absent or disrupted protein product. Loss-of-function variants in TET2 are known to be pathogenic (PMID: 36066697). This variant is present in population databases (rs780043982, gnomAD 0.007%). This variant has not been reported in the literature in individuals affected with TET2-related conditions. For these reasons, this variant has been classified as Pathogenic.

Literature cited by the submitters: PubMed 36066697.

NM_001127208.3(TET2):c.3088C>T (p.Gln1030Ter)

Genes: TET2 (tet methylcytosine dioxygenase 2; plus strand), TET2-AS1 (TET2 antisense RNA 1; minus strand). Cytogenetic location: 4q24.
Variant type: single nucleotide variant.
Coding change: c.3088C>T on transcript NM_001127208.3 (MANE Select); coding-DNA position 3088, C replaced by T.
Protein change: p.Gln1030Ter; replaces glutamine 1030 with a stop codon.
Molecular consequence: nonsense.
Genome position (GRCh38, 1-based): chr4:105,237,030, C>T. VCF-style: chr4-105237030-C-T. GRCh37 (hg19) VCF-style: chr4-106158187-C-T.
Other names: c.3088C>T, p.Gln1030Ter (NM_017628.4); short protein forms Q1030*.
Identifiers: ClinVar variation 3017694 (VCV003017694.3), dbSNP rs780043982, ClinGen allele CA3032014.
Genomic context (GRCh38, chr4:105,237,030, plus strand): 5'-GAGAATCCACCTGCAAGCTGTGATAATGTGCAGCAAAAGAGCATCATTGAGACCATGGAG[C>T]AGCATCTGAAGCAGTTTCACGCCAAGTCGTTATTTGACCATAAGGCTCTTACTCTCAAAT-3'